The following is an entry in ClinVar:

NM_032141.4(NSRP1):c.395T>A (p.Met132Lys)

Gene: NSRP1 (nuclear speckle splicing regulatory protein 1; plus strand). Cytogenetic location: 17q11.2.
Variant type: single nucleotide variant.
Coding change: c.395T>A on transcript NM_032141.4 (MANE Select); coding-DNA position 395, T replaced by A.
Protein change: p.Met132Lys; replaces methionine 132 with lysine.
Molecular consequence: missense variant.
Genome position (GRCh38, 1-based): chr17:30,179,184, T>A. VCF-style: chr17-30179184-T-A. GRCh37 (hg19) VCF-style: chr17-28506202-T-A.
Other names: c.233T>A, p.Met78Lys (NM_001261467.2); c.395T>A (NM_032141.2); short protein forms M132K, M78K.
Identifiers: ClinVar variation 2662141 (VCV002662141.2), dbSNP rs368966248, ClinGen allele CA8479745.

ClinVar aggregate classification (germline): Uncertain significance. Review status: criteria provided, multiple submitters, no conflicts (2 of 4 stars). 2 submissions from 2 submitters: Uncertain significance (2). Last evaluated 2024-12-09.

Allele frequency attached by ClinVar (database versions not stated): gnomAD exomes 0.00001; ExAC 0.00005; gnomAD 0.00011; ESP Exome Variant Server 0.00015; TOPMed 0.00016.

Submissions (2):

Ambry Genetics
Classification: Uncertain significance. Last evaluated: 2024-12-09. Review status: criteria provided, single submitter. Criteria: Ambry Variant Classification Scheme 2023. Collection method: clinical testing. Allele origin: germline.

GeneDx
Classification: Uncertain significance. Last evaluated: 2023-04-18. Review status: criteria provided, single submitter. Criteria: GeneDx Variant Classification Process June 2021. Collection method: clinical testing. Allele origin: germline. Affected: yes.
Comment: In silico analysis supports that this missense variant does not alter protein structure/function; Has not been previously published as pathogenic or benign to our knowledge